The following is an entry in ClinVar:

NM_002047.4(GARS1):c.1234C>T (p.Arg412Cys)

Gene: GARS1 (glycyl-tRNA synthetase 1; plus strand). Cytogenetic location: 7p14.3.
Variant type: single nucleotide variant.
Coding change: c.1234C>T on transcript NM_002047.4 (MANE Select); coding-DNA position 1234, C replaced by T.
Protein change: p.Arg412Cys; replaces arginine 412 with cysteine.
Molecular consequence: missense variant.
Genome position (GRCh38, 1-based): chr7:30,617,153, C>T. VCF-style: chr7-30617153-C-T. GRCh37 (hg19) VCF-style: chr7-30656769-C-T.
Other names: c.1234C>T (LRG_243t1, NM_002047.3); c.1072C>T, p.Arg358Cys (NM_001316772.1); short protein forms R412C, R358C.
Identifiers: ClinVar variation 543239 (VCV000543239.13), dbSNP rs770924455, ClinGen allele CA4205937.
Genomic context (GRCh38, chr7:30,617,153, plus strand): 5'-CTTGCTTATTGGTTGGTTTAGGGTGTGATTAATAACACAGTATTAGGCTATTTCATTGGC[C>T]GCATCTACCTCTACCTCACGAAGGTTGGAATATCTCCAGATAAACTCCGCTTCCGGCAGC-3'
Protein context (NP_002038.2, residues 402-422): NNTVLGYFIG[Arg412Cys]IYLYLTKVGI

ClinVar aggregate classification (germline): Uncertain significance. Review status: criteria provided, multiple submitters, no conflicts (2 of 4 stars). 3 submissions from 3 submitters: Uncertain significance (2). 1 of the submissions does not count toward it. Last evaluated 2024-07-09.

Conditions:
GARS1-related disorder. Also called: GARS1-related condition.
Charcot-Marie-Tooth disease type 2. Also called: Charcot-Marie-Tooth type 2. Identifiers: Orphanet 64746, MedGen C0270914, MONDO:0018993.

Allele frequency attached by ClinVar (database versions not stated): gnomAD 0.00001; TOPMed 0.00001; ExAC 0.00002; gnomAD exomes 0.00003 and 0.00008.
gnomAD v4.1: 115 of 1,613,880 alleles (0.0071%); highest among the groups gnomAD compares: Non-Finnish European, 0.0092%; no homozygotes.

Submissions (3):

GeneDx
Classification: Uncertain significance. Last evaluated: 2024-07-09. Review status: criteria provided, single submitter. Criteria: GeneDx Variant Classification Process June 2021. Collection method: clinical testing. Allele origin: germline. Affected: yes.
Comment: Reported in an individual with a mitochondrial respiratory chain disorder (PMID: 28594869); In silico analysis supports that this missense variant has a deleterious effect on protein structure/function; This variant is associated with the following publications: (PMID: 25168514, 26138142, 26503042, 28594869)

Labcorp Genetics (formerly Invitae), Labcorp
Classification: Uncertain significance for Charcot-Marie-Tooth disease type 2. Last evaluated: 2024-05-08. Review status: criteria provided, single submitter. Criteria: Invitae Variant Classification Sherloc (09022015). Collection method: clinical testing. Allele origin: germline.
Comment: This sequence change replaces arginine, which is basic and polar, with cysteine, which is neutral and slightly polar, at codon 412 of the GARS protein (p.Arg412Cys). This variant is present in population databases (rs770924455, gnomAD 0.006%). This missense change has been observed in individual(s) with clinical features of GARS-related conditions (PMID: 28594869). ClinVar contains an entry for this variant (Variation ID: 543239). Advanced modeling of protein sequence and biophysical properties (such as structural, functional, and spatial information, amino acid conservation, physicochemical variation, residue mobility, and thermodynamic stability) performed at Invitae indicates that this missense variant is expected to disrupt GARS protein function with a positive predictive value of 80%. In summary, the available evidence is currently insufficient to determine the role of this variant in disease. Therefore, it has been classified as a Variant of Uncertain Significance.

PreventionGenetics, part of Exact Sciences
Classification: Uncertain significance for GARS1-related condition. Last evaluated: 2023-12-14. Review status: no assertion criteria provided. Collection method: clinical testing. Allele origin: germline. Not counted in ClinVar's aggregate classification.
Comment: The GARS1 c.1234C>T variant is predicted to result in the amino acid substitution p.Arg412Cys. This variant was reported in a compound heterozygous individual with mitochondrial respiratory chain dysfunction who presented with left ventricular wall hypertrophy, lactic acidosis, and exercise intolerance (Nafisinia et al 2017. PubMed ID: 28594869). This variant is reported in 0.0058% of alleles in individuals of Latino descent in gnomAD. While we suspect this variant could be pathogenic, at this time the clinical significance of this variant is uncertain due to the absence of conclusive functional and genetic evidence.

Literature cited by the submitters: PubMed 28594869 (cited by Labcorp Genetics (formerly Invitae), Labcorp).